The following is an entry in ClinVar:

NC_012920.1(MT-RNR1):m.1027A>G

Gene: MT-RNR1 (mitochondrially encoded 12S RNA; plus strand).
Variant type: single nucleotide variant.
Genome position: chrM-1027-A-G.
Identifiers: ClinVar variation 178943 (VCV000178943.5), dbSNP rs727504555, ClinGen allele CA273573.

ClinVar aggregate classification (germline): Uncertain significance. Review status: reviewed by expert panel (3 of 4 stars). 2 submissions from 2 submitters: Uncertain significance (1). 1 of the submissions does not count toward it. Last evaluated 2024-08-12.

Conditions:
Rare genetic deafness. Identifiers: Orphanet 96210, MedGen C5680250.
Mitochondrial disease. Also called: Mitochondrial disorder; Mitochondrial disorders. Identifiers: Orphanet 68380, MedGen C0751651, MeSH D028361, MONDO:0044970.

Submissions (2):

ClinGen Mitochondrial Disease Nuclear and Mitochondrial  Variant Curation Expert Panel, ClinGen
Classification: Uncertain significance for Mitochondrial disease. Last evaluated: 2024-08-12. Review status: reviewed by expert panel. Criteria: clingen mito disease acmg specifications v1-1. Collection method: curation. Allele origin: germline. Inheritance: Mitochondrial inheritance.
Comment: The m.1027A>G variant in MT-RNR1 has been reported in six unrelated individuals with primary mitochondrial disease. All had hearing loss (4/6 had aminoglycoside exposure; PMIDs: 21205314, 20100600). The variant was present at homoplasmy in both affected and unaffected individuals from these families. There are no de novo occurrences of this variant to our knowledge. This variant is present in population databases (MITOMAP: 0.028%; gnomAD v3.1.2: 0.025%; Helix: 0.037%). There are no in silico predictors for this type of variant in mitochondrial DNA. There are no cybrids, single fiber studies, or other functional assays reported on this variant. In summary, this variant meets criteria to be classified as uncertain significance for primary mitochondrial disease inherited in a mitochondrial manner. This classification was approved by the NICHD/NINDS U24 ClinGen Mitochondrial Disease Variant Curation Expert Panel on August 12, 2024. Mitochondrial DNA-specific ACMG/AMP criteria applied (PMID: 32906214): None.

Laboratory for Molecular Medicine, Mass General Brigham Personalized Medicine
Classification: Likely pathogenic for Rare genetic deafness. Last evaluated: 2013-08-08. Review status: criteria provided, single submitter. Criteria: LMM Criteria. Collection method: clinical testing. Allele origin: germline. Inheritance: Mitochondrial inheritance. Observed: 2 variant alleles. Not counted in ClinVar's aggregate classification.
Comment: The 1027A>G variant in MTRNR1 has been reported in five Chinese individuals with severe to profound hearing loss (four of whom were exposed to aminoglycosides), and the variant was absent from 449 ethnically matched controls (Shen 2011, Lu 2010). This v ariant has not been reported in the Human Mitochondrial Genome Database, which i ncludes a total of 2704 mitochondrial genomes of which 52 are from Chinese indiv iduals. In summary, this variant is likely pathogenic based on the observation of the variant in individuals with hearing loss, though addi tional studies are required to fully establish its clinical significance.

Literature cited by the submitters: PubMed 23328039 (cited by Laboratory for Molecular Medicine, Mass General Brigham Personalized Medicine); PubMed 21205314 (cited by Laboratory for Molecular Medicine, Mass General Brigham Personalized Medicine); PubMed 20100600 (cited by Laboratory for Molecular Medicine, Mass General Brigham Personalized Medicine).